The following is an entry in ClinVar:

ClinVar aggregate classification (germline): Likely benign (1 of 4 stars; one submission).

Conditions:
CEP164-related disorder. Also called: CEP164-related condition.

gnomAD v4.1: 10 of 1,614,084 alleles (0.00062%); highest among the groups gnomAD compares: Non-Finnish European, 0.00076%; no homozygotes.

Submission:

PreventionGenetics, part of Exact Sciences
Classification: Likely benign for CEP164-related condition. Last evaluated: 2026-07-01. Review status: criteria provided, single submitter. Criteria: ACMG Guidelines, 2015. Collection method: clinical testing. Allele origin: germline.
Comment: This variant is classified as likely benign based on ACMG/AMP sequence variant interpretation guidelines (Richards et al. 2015 PMID: 25741868, with internal and published modifications).

NM_014956.5(CEP164):c.417A>C (p.Pro139=)

Gene: CEP164 (centrosomal protein 164; plus strand). Cytogenetic location: 11q23.3.
Variant type: single nucleotide variant.
Coding change: c.417A>C on transcript NM_014956.5 (MANE Select); coding-DNA position 417, A replaced by C.
Protein change: p.Pro139=; no amino-acid change (proline 139 retained).
Molecular consequence: synonymous variant.
Genome position (GRCh38, 1-based): chr11:117,361,858, A>C. VCF-style: chr11-117361858-A-C. GRCh37 (hg19) VCF-style: chr11-117232574-A-C.
Other names: c.417A>C, p.Pro139= (NM_001271933.2, NM_001440949.1, NM_001440950.1 and 36 more transcripts); c.279A>C, p.Pro93= (NM_001440960.1).
Identifiers: ClinVar variation 4986155 (VCV004986155.1).